The following is an entry in ClinVar:

NM_004782.4(SNAP29):c.122G>A (p.Arg41Lys)

Gene: SNAP29 (synaptosome associated protein 29; plus strand). Cytogenetic location: 22q11.21.
Variant type: single nucleotide variant.
Coding change: c.122G>A on transcript NM_004782.4 (MANE Select); coding-DNA position 122, G replaced by A.
Protein change: p.Arg41Lys; replaces arginine 41 with lysine.
Molecular consequence: missense variant.
Genome position (GRCh38, 1-based): chr22:20,859,232, G>A. VCF-style: chr22-20859232-G-A. GRCh37 (hg19) VCF-style: chr22-21213520-G-A.
Other names: short protein forms R41K.
Identifiers: ClinVar variation 1314323 (VCV001314323.4), dbSNP rs767213620, ClinGen allele CA10117017.

ClinVar aggregate classification (germline): Uncertain significance. Review status: criteria provided, multiple submitters, no conflicts (2 of 4 stars). 2 submissions from 2 submitters: Uncertain significance (2). Last evaluated 2023-12-19.

Conditions:
Inborn genetic diseases. Identifiers: MedGen C0950123, MeSH D030342.

Allele frequency attached by ClinVar (database versions not stated): gnomAD 0.00001; gnomAD exomes 0.00001 and 0.00003; ExAC 0.00004; TOPMed 0.00007.
gnomAD v4.1: 8 of 1,606,636 alleles (0.0005%); highest among the groups gnomAD compares: Admixed American, 0.014%; no homozygotes.

Submissions (2):

Ambry Genetics
Classification: Uncertain significance for Inborn genetic diseases. Last evaluated: 2023-12-19. Review status: criteria provided, single submitter. Criteria: Ambry Variant Classification Scheme 2023. Collection method: clinical testing. Allele origin: germline.

GeneDx
Classification: Uncertain significance. Last evaluated: 2020-01-27. Review status: criteria provided, single submitter. Criteria: GeneDx Variant Classification Process June 2021. Collection method: clinical testing. Allele origin: germline. Affected: yes.
Comment: In silico analysis supports that this missense variant does not alter protein structure/function; Has not been previously published as pathogenic or benign to our knowledge